The following is an entry in ClinVar:

ClinVar aggregate classification (germline): Conflicting classifications of pathogenicity. Review status: criteria provided, conflicting classifications (1 of 4 stars). 4 submissions from 4 submitters: Uncertain significance (1); Likely benign (3). Last evaluated 2026-08-04.

Conditions:
IDH3B-related disorder. Also called: IDH3B-related condition.
Retinitis pigmentosa (RP). Identifiers: Orphanet 791, MedGen C0035334, MeSH D012174, MONDO:0019200, OMIM 268000. Inheritance: Autosomal dominant, autosomal recessive and X linked inheritance.

Allele frequency attached by ClinVar (database versions not stated): ExAC 0.00008; gnomAD exomes 0.00015 and 0.00008; 1000 Genomes Project 30x 0.00016; gnomAD 0.00017 and 0.00014; 1000 Genomes Project 0.00020; ESP Exome Variant Server 0.00031; TOPMed 0.00014.
gnomAD v4.1: 255 of 1,614,094 alleles (0.016%); highest among the groups gnomAD compares: Admixed American, 0.023%; no homozygotes.

Submissions (4):

PreventionGenetics, part of Exact Sciences
Classification: Likely benign for IDH3B-related condition. Last evaluated: 2026-08-04. Review status: criteria provided, single submitter. Criteria: ACMG Guidelines, 2015. Collection method: clinical testing. Allele origin: germline.
Comment: This variant is classified as likely benign based on ACMG/AMP sequence variant interpretation guidelines (Richards et al. 2015 PMID: 25741868, with internal and published modifications).

Labcorp Genetics (formerly Invitae), Labcorp
Classification: Likely benign. Last evaluated: 2025-02-17. Review status: criteria provided, single submitter. Criteria: Invitae Variant Classification Sherloc (09022015). Collection method: clinical testing. Allele origin: germline.

Blueprint Genetics
Classification: Likely benign. Last evaluated: 2022-02-23. Review status: criteria provided, single submitter. Criteria: ACMG Guidelines, 2015. Collection method: clinical testing. Allele origin: germline.

Illumina Laboratory Services, Illumina
Classification: Uncertain significance for Retinitis pigmentosa. Last evaluated: 2018-01-13. Review status: criteria provided, single submitter. Criteria: ICSL Variant Classification Criteria 13 December 2019. Collection method: clinical testing. Allele origin: germline.

NM_006899.5(IDH3B):c.900C>T (p.Tyr300=)

Gene: IDH3B (isocitrate dehydrogenase (NAD(+)) 3 non-catalytic subunit beta; minus strand). Cytogenetic location: 20p13.
Variant type: single nucleotide variant.
Coding change: c.900C>T on transcript NM_006899.5 (MANE Select); coding-DNA position 900, C replaced by T.
Protein change: p.Tyr300=; no amino-acid change (tyrosine 300 retained).
Molecular consequence: synonymous variant. On other transcripts: non-coding transcript variant (1).
Genome position (GRCh38, 1-based): chr20:2,660,045, G>A on the plus strand (C>T on the coding strand, the complement: IDH3B is on the minus strand). VCF-style: chr20-2660045-G-A. GRCh37 (hg19) VCF-style: chr20-2640691-G-A.
Other names: c.900C>T, p.Tyr300= (NM_001258384.3, NM_001330763.2, NM_174855.4); c.900C>T (NM_006899.4).
Identifiers: ClinVar variation 897617 (VCV000897617.14), dbSNP rs201237064, ClinGen allele CA9735158.